The following is an entry in ClinVar:

NM_003482.4(KMT2D):c.9326C>T (p.Pro3109Leu)

Gene: KMT2D (lysine methyltransferase 2D; minus strand). Cytogenetic location: 12q13.12.
Variant type: single nucleotide variant.
Coding change: c.9326C>T on transcript NM_003482.4 (MANE Select); coding-DNA position 9326, C replaced by T.
Protein change: p.Pro3109Leu; replaces proline 3109 with leucine.
Molecular consequence: missense variant.
Genome position (GRCh38, 1-based): chr12:49,038,030, G>A on the plus strand (C>T on the coding strand, the complement: KMT2D is on the minus strand). VCF-style: chr12-49038030-G-A. GRCh37 (hg19) VCF-style: chr12-49431813-G-A.
Other names: short protein forms P3109L.
Identifiers: ClinVar variation 1423149 (VCV001423149.6), dbSNP rs762516845, ClinGen allele CA384738726.

ClinVar aggregate classification (germline): Uncertain significance (1 of 4 stars; one submission).

Conditions:
Kabuki syndrome. Also called: Kabuki make-up syndrome; NIIKAWA-KUROKI SYNDROME. Identifiers: Orphanet 2322, MedGen C0796004, MONDO:0016512.

Submission:

Labcorp Genetics (formerly Invitae), Labcorp
Classification: Uncertain significance for Kabuki syndrome. Last evaluated: 2022-07-06. Review status: criteria provided, single submitter. Criteria: Invitae Variant Classification Sherloc (09022015). Collection method: clinical testing. Allele origin: germline.
Comment: In summary, the available evidence is currently insufficient to determine the role of this variant in disease. Therefore, it has been classified as a Variant of Uncertain Significance. Advanced modeling of protein sequence and biophysical properties (such as structural, functional, and spatial information, amino acid conservation, physicochemical variation, residue mobility, and thermodynamic stability) performed at Invitae indicates that this missense variant is not expected to disrupt KMT2D protein function. ClinVar contains an entry for this variant (Variation ID: 1423149). This variant has not been reported in the literature in individuals affected with KMT2D-related conditions. This variant is not present in population databases (gnomAD no frequency). This sequence change replaces proline, which is neutral and non-polar, with leucine, which is neutral and non-polar, at codon 3109 of the KMT2D protein (p.Pro3109Leu).